The following is an entry in ClinVar:

ClinVar aggregate classification (germline): Uncertain significance (1 of 4 stars; one submission).

Allele frequency attached by ClinVar (database versions not stated): TOPMed below 0.00001; gnomAD 0.00001.
gnomAD v4.1: 1 of 1,613,922 alleles (0.000062%); highest among the groups gnomAD compares: African/African-American, 0.0013%; no homozygotes.

Submission:

Labcorp Genetics (formerly Invitae), Labcorp
Classification: Uncertain significance. Last evaluated: 2022-06-29. Review status: criteria provided, single submitter. Criteria: Invitae Variant Classification Sherloc (09022015). Collection method: clinical testing. Allele origin: germline.
Comment: This sequence change replaces proline, which is neutral and non-polar, with threonine, which is neutral and polar, at codon 2130 of the KMT2C protein (p.Pro2130Thr). This variant is not present in population databases (gnomAD no frequency). This variant has not been reported in the literature in individuals affected with KMT2C-related conditions. Algorithms developed to predict the effect of missense changes on protein structure and function are either unavailable or do not agree on the potential impact of this missense change (SIFT: "Deleterious"; PolyPhen-2: "Possibly Damaging"; Align-GVGD: "Class C0"). In summary, the available evidence is currently insufficient to determine the role of this variant in disease. Therefore, it has been classified as a Variant of Uncertain Significance.

NM_170606.3(KMT2C):c.6388C>A (p.Pro2130Thr)

Gene: KMT2C (lysine methyltransferase 2C; minus strand). Cytogenetic location: 7q36.1.
Variant type: single nucleotide variant.
Coding change: c.6388C>A on transcript NM_170606.3 (MANE Select); coding-DNA position 6388, C replaced by A.
Protein change: p.Pro2130Thr; replaces proline 2130 with threonine.
Molecular consequence: missense variant.
Genome position (GRCh38, 1-based): chr7:152,181,472, G>T on the plus strand (C>A on the coding strand, the complement: KMT2C is on the minus strand). VCF-style: chr7-152181472-G-T. GRCh37 (hg19) VCF-style: chr7-151878557-G-T.
Other names: short protein forms P2130T.
Identifiers: ClinVar variation 2005380 (VCV002005380.4), dbSNP rs1023755746, ClinGen allele CA169210326.